The following is an entry in ClinVar:

ClinVar aggregate classification (germline): Likely pathogenic (1 of 4 stars; one submission).

Submission:

Labcorp Genetics (formerly Invitae), Labcorp
Classification: Likely pathogenic. Last evaluated: 2022-05-18. Review status: criteria provided, single submitter. Criteria: Invitae Variant Classification Sherloc (09022015). Collection method: clinical testing. Allele origin: germline.
Comment: Algorithms developed to predict the effect of sequence changes on RNA splicing suggest that this variant may disrupt the consensus splice site. This variant has not been reported in the literature in individuals affected with COL27A1-related conditions. This variant is not present in population databases (gnomAD no frequency). This sequence change affects a donor splice site in intron 25 of the COL27A1 gene. It is expected to disrupt RNA splicing. Variants that disrupt the donor or acceptor splice site typically lead to a loss of protein function (PMID: 16199547), and loss-of-function variants in COL27A1 are known to be pathogenic (PMID: 24986830, 28276056). In summary, the currently available evidence indicates that the variant is pathogenic, but additional data are needed to prove that conclusively. Therefore, this variant has been classified as Likely Pathogenic.

Literature cited by the submitters: PubMed 16199547; PubMed 24986830; PubMed 28276056.

NM_032888.4(COL27A1):c.3033+2T>G

Gene: COL27A1 (collagen type XXVII alpha 1 chain; plus strand). Cytogenetic location: 9q32.
Variant type: single nucleotide variant.
Coding change: c.3033+2T>G on transcript NM_032888.4 (MANE Select); the canonical splice donor site of the intron after coding-DNA position 3033, T replaced by G.
Molecular consequence: splice donor variant.
Genome position (GRCh38, 1-based): chr9:114,250,670, T>G. VCF-style: chr9-114250670-T-G. GRCh37 (hg19) VCF-style: chr9-117012950-T-G.
Identifiers: ClinVar variation 1995964 (VCV001995964.4), dbSNP rs1833482631, ClinGen allele CA374593200.
Genomic context (GRCh38, chr9:114,250,670, plus strand): 5'-CATAGGGATTTATGGGATTCATTGGTCTGGTCGGGGAGCCAGGAATCGTGGGAGAAAAGG[T>G]AAGTGGTGTTGAGGGGAAAAGATAAACAATTAGAGCTTGTGTTTTGAAATTGTAAAAAGG-3'